The following is an entry in ClinVar:

NM_005732.4(RAD50):c.1926A>C (p.Leu642Phe)

Gene: RAD50 (RAD50 double strand break repair protein; plus strand). Cytogenetic location: 5q31.1.
Variant type: single nucleotide variant.
Coding change: c.1926A>C on transcript NM_005732.4 (MANE Select); coding-DNA position 1926, A replaced by C.
Protein change: p.Leu642Phe; replaces leucine 642 with phenylalanine.
Molecular consequence: missense variant.
Genome position (GRCh38, 1-based): chr5:132,595,001, A>C. VCF-style: chr5-132595001-A-C. GRCh37 (hg19) VCF-style: chr5-131930693-A-C.
Other names: short protein forms L642F.
Identifiers: ClinVar variation 1782765 (VCV001782765.2), dbSNP rs2479650121, ClinGen allele CA360948284.
Genomic context (GRCh38, chr5:132,595,001, plus strand): 5'-GTCCAGTTACGAAGACAAGCTGTTTGATGTTTGTGGTAGCCAGGATTTTGAAAGTGATTT[A>C]GACAGGCTTAAAGAGGAAATTGAAAAATCATCAAAACAGCGAGGTAAGTTGTCTACTTTA-3'
Protein context (NP_005723.2, residues 632-652): VCGSQDFESD[Leu642Phe]DRLKEEIEKS

ClinVar aggregate classification (germline): Uncertain significance (1 of 4 stars; one submission).

Conditions:
Hereditary cancer-predisposing syndrome. Also called: Neoplastic Syndromes, Hereditary; Tumor predisposition; Hereditary Cancer Syndrome; Hereditary neoplastic syndrome. Identifiers: Orphanet 140162, MedGen C0027672, MeSH D009386, MONDO:0015356.

Submission:

Ambry Genetics
Classification: Uncertain significance for Hereditary cancer-predisposing syndrome. Last evaluated: 2022-05-31. Review status: criteria provided, single submitter. Criteria: Ambry Variant Classification Scheme 2023. Collection method: clinical testing. Allele origin: germline.
Comment: The p.L642F variant (also known as c.1926A>C), located in coding exon 12 of the RAD50 gene, results from an A to C substitution at nucleotide position 1926. The leucine at codon 642 is replaced by phenylalanine, an amino acid with highly similar properties. This amino acid position is conserved. In addition, the in silico prediction for this alteration is inconclusive. Since supporting evidence is limited at this time, the clinical significance of this alteration remains unclear.